The following is an entry in ClinVar:

NM_015189.3(EXOC6B):c.370C>T (p.Gln124Ter)

Gene: EXOC6B (exocyst complex component 6B; minus strand). Cytogenetic location: 2p13.2.
Variant type: single nucleotide variant.
Coding change: c.370C>T on transcript NM_015189.3 (MANE Select); coding-DNA position 370, C replaced by T.
Protein change: p.Gln124Ter; replaces glutamine 124 with a stop codon.
Molecular consequence: nonsense. On other transcripts: non-coding transcript variant (2).
Genome position (GRCh38, 1-based): chr2:72,731,203, G>A on the plus strand (C>T on the coding strand, the complement: EXOC6B is on the minus strand). VCF-style: chr2-72731203-G-A. GRCh37 (hg19) VCF-style: chr2-72958332-G-A.
Other names: c.370C>T, p.Gln124Ter (NM_001321729.2, NM_001321730.2, NM_001321731.2 and 1 more transcripts); c.31C>T, p.Gln11Ter (NM_001321734.2); short protein forms Q11*, Q124*.
Identifiers: ClinVar variation 2663194 (VCV002663194.1), dbSNP rs2468628058, ClinGen allele CA347433201.
Genomic context (GRCh38, chr2:72,731,203, plus strand): 5'-CCAGTTCCTCACCTGGAAGACACAGCATTAATTTATCAACAGTGGCAGAAATATTTCTCT[G>A]TTGTAGTCGACACTGCTTCAGCTCTTCCATTGCTATTACCAGCTTGGCAAGAGGGAAAAA-3'

ClinVar aggregate classification (germline): Uncertain significance (1 of 4 stars; one submission).

Submission:

GeneDx
Classification: Uncertain significance. Last evaluated: 2023-05-09. Review status: criteria provided, single submitter. Criteria: GeneDx Variant Classification Process June 2021. Collection method: clinical testing. Allele origin: germline. Affected: yes.
Comment: Not observed at significant frequency in large population cohorts (gnomAD); Nonsense variant predicted to result in protein truncation or nonsense mediated decay in a gene or region of a gene for which loss of function is not a well-established mechanism of disease; Has not been previously published as pathogenic or benign to our knowledge